The following is an entry in ClinVar:

ClinVar aggregate classification (germline): Uncertain significance (1 of 4 stars; one submission).

Submission:

GeneDx
Classification: Uncertain significance. Last evaluated: 2019-06-13. Review status: criteria provided, single submitter. Criteria: GeneDx Variant Classification Process June 2021. Collection method: clinical testing. Allele origin: germline. Affected: yes.
Comment: Not observed in large population cohorts (Lek et al., 2016); In silico analysis, which includes protein predictors and evolutionary conservation, supports that this variant does not alter protein structure/function; Has not been previously published as pathogenic or benign to our knowledge

NM_001370466.1(NOD2):c.1305G>C (p.Glu435Asp)

Gene: NOD2 (nucleotide binding oligomerization domain containing 2; plus strand). Cytogenetic location: 16q12.1.
Variant type: single nucleotide variant.
Coding change: c.1305G>C on transcript NM_001370466.1 (MANE Select); coding-DNA position 1305, G replaced by C.
Protein change: p.Glu435Asp; replaces glutamic acid 435 with aspartic acid.
Molecular consequence: missense variant. On other transcripts: non-coding transcript variant (1).
Genome position (GRCh38, 1-based): chr16:50,711,297, G>C. VCF-style: chr16-50711297-G-C. GRCh37 (hg19) VCF-style: chr16-50745208-G-C.
Other names: c.1305G>C, p.Glu435Asp (NM_001293557.2); c.1386G>C, p.Glu462Asp (NM_022162.3); short protein forms E435D, E462D.
Identifiers: ClinVar variation 1306492 (VCV001306492.2), dbSNP rs747921876, ClinGen allele CA395868824.